The following is an entry in ClinVar:

ClinVar aggregate classification (germline): Benign (1 of 4 stars; one submission).

Allele frequency attached by ClinVar (database versions not stated): gnomAD exomes 0.01565 and 0.03442; ExAC 0.03492; ESP Exome Variant Server 0.04836; gnomAD 0.04982 and 0.05074; TOPMed 0.05388; 1000 Genomes Project 30x 0.06699; 1000 Genomes Project 0.06809.
gnomAD v4.1: 30,770 of 1,609,428 alleles (1.9%); highest among the groups gnomAD compares: African/African-American, 13%; 1,071 homozygotes.

Submission:

GeneDx
Classification: Benign. Last evaluated: 2018-06-16. Review status: criteria provided, single submitter. Criteria: GeneDx Variant Classification (06012015). Collection method: clinical testing. Allele origin: germline. Affected: yes.
Comment: This variant is considered likely benign or benign based on one or more of the following criteria: it is a conservative change, it occurs at a poorly conserved position in the protein, it is predicted to be benign by multiple in silico algorithms, and/or has population frequency not consistent with disease.

NM_182961.4(SYNE1):c.23146-31C>T

Gene: SYNE1 (spectrin repeat containing nuclear envelope protein 1; minus strand). Cytogenetic location: 6q25.2.
Variant type: single nucleotide variant.
Coding change: c.23146-31C>T on transcript NM_182961.4 (MANE Select); 31 bases into the intron before coding-DNA position 23146, C replaced by T.
Molecular consequence: intron variant.
Genome position (GRCh38, 1-based): chr6:152,189,438, G>A on the plus strand (C>T on the coding strand, the complement: SYNE1 is on the minus strand). VCF-style: chr6-152189438-G-A. GRCh37 (hg19) VCF-style: chr6-152510573-G-A.
Other names: c.22933-31C>T (NM_033071.5).
Identifiers: ClinVar variation 672540 (VCV000672540.1), dbSNP rs2635460, ClinGen allele CA4053676.